The following is an entry in ClinVar:

NM_002691.4(POLD1):c.628del (p.Leu210fs)

Gene: POLD1 (DNA polymerase delta 1, catalytic subunit; plus strand). Cytogenetic location: 19q13.33.
Variant type: Deletion.
Coding change: c.628del on transcript NM_002691.4 (MANE Select); coding-DNA position 628, one base deleted (C; older notation c.628delC).
Protein change: p.Leu210fs; shifts the reading frame from leucine 210.
Molecular consequence: frameshift variant. On other transcripts: non-coding transcript variant (1).
Genome position (GRCh38, 1-based): chr19:50,402,243, C deleted; the last of 2 consecutive C bases (chr19:50,402,242-50,402,243); deleting either gives the same sequence. VCF-style (leftmost placement, unchanged base first): chr19-50402241-TC-T. GRCh37 (hg19) VCF-style: chr19-50905498-TC-T.
Other names: c.628del, p.Leu210fs (NM_001256849.1, NM_001308632.1, NM_001438210.1 and 3 more transcripts); short protein forms L210fs.
Identifiers: ClinVar variation 4669336 (VCV004669336.1).

ClinVar aggregate classification (germline): Uncertain significance (1 of 4 stars; one submission).

Conditions:
Hereditary cancer-predisposing syndrome. Also called: Neoplastic Syndromes, Hereditary; Tumor predisposition; Hereditary Cancer Syndrome; Hereditary neoplastic syndrome. Identifiers: Orphanet 140162, MedGen C0027672, MeSH D009386, MONDO:0015356.

Submission:

Ambry Genetics
Classification: Uncertain significance for Hereditary cancer-predisposing syndrome. Last evaluated: 2025-12-02. Review status: criteria provided, single submitter. Criteria: Ambry Variant Classification Scheme 2023. Collection method: clinical testing. Allele origin: germline.
Comment: The c.628delC variant, located in coding exon 5 of the POLD1 gene, results from a deletion of one nucleotide at nucleotide position 628, causing a translational frameshift with a predicted alternate stop codon (p.L210Cfs*66). This alteration is expected to result in protein truncation or nonsense-mediated mRNA decay. However, loss of function has not been established as a mechanism of disease. Based on the available evidence, the clinical significance of this alteration remains unclear.